The following is an entry in ClinVar:

NM_201253.3(CRB1):c.3304A>G (p.Ile1102Val)

Gene: CRB1 (crumbs cell polarity complex component 1; plus strand). Cytogenetic location: 1q31.3.
Variant type: single nucleotide variant.
Coding change: c.3304A>G on transcript NM_201253.3 (MANE Select); coding-DNA position 3304, A replaced by G.
Protein change: p.Ile1102Val; replaces isoleucine 1102 with valine.
Molecular consequence: missense variant. On other transcripts: non-coding transcript variant (2), intron variant (1).
Genome position (GRCh38, 1-based): chr1:197,435,167, A>G. VCF-style: chr1-197435167-A-G. GRCh37 (hg19) VCF-style: chr1-197404297-A-G.
Other names: c.2968A>G, p.Ile990Val (NM_001193640.2); c.3232A>G, p.Ile1078Val (NM_001257965.2); c.2129-433A>G (NM_001257966.2); short protein forms I990V, I1102V, I1078V.
Identifiers: ClinVar variation 2140754 (VCV002140754.1), dbSNP rs756878234, ClinGen allele CA1312313.

ClinVar aggregate classification (germline): Uncertain significance (1 of 4 stars; one submission).

Conditions:
Retinitis pigmentosa 12 (RP12). Also called: RP WITH OR WITHOUT PRESERVED PARAARTERIOLE RETINAL PIGMENT EPITHELIUM; RETINITIS PIGMENTOSA WITH OR WITHOUT PARAARTERIOLAR PRESERVATION OF RETINAL PIGMENT EPITHELIUM; RP WITH OR WITHOUT PPRPE. Identifiers: Orphanet 791, MedGen C1838647, MONDO:0010818, OMIM 600105.
Leber congenital amaurosis 8 (LCA8). Identifiers: Orphanet 65, MedGen C3151202, MONDO:0013453, OMIM 613835.

Allele frequency attached by ClinVar (database versions not stated): gnomAD exomes below 0.00001; ExAC 0.00001; gnomAD 0.00001.
gnomAD v4.1: 3 of 1,613,818 alleles (0.00019%); highest among the groups gnomAD compares: South Asian, 0.0022%; no homozygotes.

Submission:

Labcorp Genetics (formerly Invitae), Labcorp
Classification: Uncertain significance for Leber congenital amaurosis 8; Retinitis pigmentosa 12. Last evaluated: 2022-11-01. Review status: criteria provided, single submitter. Criteria: Invitae Variant Classification Sherloc (09022015). Collection method: clinical testing. Allele origin: germline.
Comment: This sequence change replaces isoleucine, which is neutral and non-polar, with valine, which is neutral and non-polar, at codon 1102 of the CRB1 protein (p.Ile1102Val). This variant is present in population databases (rs756878234, gnomAD 0.003%). This variant has not been reported in the literature in individuals affected with CRB1-related conditions. Advanced modeling of protein sequence and biophysical properties (such as structural, functional, and spatial information, amino acid conservation, physicochemical variation, residue mobility, and thermodynamic stability) performed at Invitae indicates that this missense variant is expected to disrupt CRB1 protein function. In summary, the available evidence is currently insufficient to determine the role of this variant in disease. Therefore, it has been classified as a Variant of Uncertain Significance.